The following is an entry in ClinVar:

NM_012433.4(SF3B1):c.658C>T (p.Gln220Ter)

Gene: SF3B1 (splicing factor 3b subunit 1; minus strand). Cytogenetic location: 2q33.1.
Variant type: single nucleotide variant.
Coding change: c.658C>T on transcript NM_012433.4 (MANE Select); coding-DNA position 658, C replaced by T.
Protein change: p.Gln220Ter; replaces glutamine 220 with a stop codon.
Molecular consequence: nonsense.
Genome position (GRCh38, 1-based): chr2:197,416,749, G>A on the plus strand (C>T on the coding strand, the complement: SF3B1 is on the minus strand). VCF-style: chr2-197416749-G-A. GRCh37 (hg19) VCF-style: chr2-198281473-G-A.
Other names: short protein forms Q220*.
Identifiers: ClinVar variation 4755774 (VCV004755774.1).

ClinVar aggregate classification (germline): Uncertain significance (1 of 4 stars; one submission).

Submission:

GeneDx
Classification: Uncertain significance. Last evaluated: 2025-02-24. Review status: criteria provided, single submitter. Criteria: GeneDx Variant Classification Process June 2021. Collection method: clinical testing. Allele origin: germline. Affected: yes.
Comment: Not observed at significant frequency in large population cohorts (gnomAD); Nonsense variant predicted to result in protein truncation or nonsense mediated decay in a gene or region of a gene for which loss of function is not a well-established mechanism of disease; Has not been previously published as pathogenic or benign to our knowledge; Variants in candidate genes are classified as variants of uncertain significance in accordance with ACMG guidelines (PMID: 25741868)